The following is an entry in ClinVar:

NM_001267550.2(TTN):c.25162C>T (p.Pro8388Ser)

Gene: TTN (titin; minus strand). Cytogenetic location: 2q31.2.
Variant type: single nucleotide variant.
Coding change: c.25162C>T on transcript NM_001267550.2 (MANE Select); coding-DNA position 25162, C replaced by T.
Protein change: p.Pro8388Ser; replaces proline 8388 with serine.
Molecular consequence: missense variant. On other transcripts: intron variant (3).
Genome position (GRCh38, 1-based): chr2:178,717,712, G>A on the plus strand (C>T on the coding strand, the complement: TTN is on the minus strand). VCF-style: chr2-178717712-G-A. GRCh37 (hg19) VCF-style: chr2-179582439-G-A.
Other names: c.24211C>T, p.Pro8071Ser (NM_001256850.1); c.13282+20370C>T (NM_003319.4); c.13858+20370C>T (NM_133437.4); c.13657+20370C>T (NM_133432.3); c.21430C>T, p.Pro7144Ser (NM_133378.4); short protein forms P7144S, P8388S, P8071S.
Identifiers: ClinVar variation 166150 (VCV000166150.5), dbSNP rs727503647, ClinGen allele CA178957.

ClinVar aggregate classification (germline): Uncertain significance (1 of 4 stars; one submission).

Allele frequency attached by ClinVar (database versions not stated): gnomAD exomes 0.00002.
gnomAD v4.1: 6 of 1,613,412 alleles (0.00037%); highest among the groups gnomAD compares: Admixed American, 0.01%; no homozygotes.

Submission:

Laboratory for Molecular Medicine, Mass General Brigham Personalized Medicine
Classification: Uncertain significance. Last evaluated: 2014-04-02. Review status: criteria provided, single submitter. Criteria: LMM Criteria. Collection method: clinical testing. Allele origin: germline. Observed: 1 variant allele.
Comment: The Pro7144Ser variant in TTN has not been previously reported in individuals wi th cardiomyopathy and data from large population studies is insufficient to asse ss the frequency of this variant. Computational prediction tools and conservatio n analysis do not provide strong support for or against an impact to the protein . Additional information is needed to fully assess the clinical significance of the Pro7144Ser variant.